The following is an entry in ClinVar:

NM_000094.3(COL7A1):c.-187C>T

Gene: COL7A1 (collagen type VII alpha 1 chain; minus strand). Cytogenetic location: 3p21.31.
Variant type: single nucleotide variant.
Coding change: c.-187C>T on transcript NM_000094.3; 187 bases upstream of the start codon, C replaced by T.
Genome position (GRCh38, 1-based): chr3:48,595,346, G>A on the plus strand (C>T on the coding strand, the complement: COL7A1 is on the minus strand). VCF-style: chr3-48595346-G-A. GRCh37 (hg19) VCF-style: chr3-48632779-G-A.
Identifiers: ClinVar variation 4817354 (VCV004817354.1).

ClinVar aggregate classification (germline): Likely pathogenic (1 of 4 stars; one submission).

Conditions:
Epidermolysis bullosa dystrophica. Also called: Dystrophic epidermolysis bullosa, Hallopeau-Siemens type (formerly); Dystrophic epidermolysis bullosa. Identifiers: Orphanet 303, MedGen C0079294, MONDO:0006543.

Submission:

Natera, Inc.
Classification: Likely pathogenic for Dystrophic epidermolysis bullosa. Last evaluated: 2025-09-15. Review status: criteria provided, single submitter. Criteria: Natera Variant Classification Schema (03/2026). Collection method: clinical testing. Allele origin: germline.
Comment: The c.-187C>T variant in COL7A1 is a 5' untranslated region (UTR) variant located upstream of the translation start codon. This variant is rare in the general population with a frequency below the threshold expected for the associated phenotype(s). This variant has been observed in one or more individuals affected with the associated recessive disease, as either homozygous or compound heterozygous with a second variant (PMID: 23013315). This variant has been identified in one or more affected individual with a phenotype highly consistent with the associated gene (PMID: 23013315). Functional studies show that this variant may disrupt protein function (PMID: 23013315). Given the available evidence, this variant is classified as Likely Pathogenic.

Literature cited by the submitters: PubMed 23013315.